The following is an entry in ClinVar:

NM_007327.4(GRIN1):c.1467+19del

Gene: GRIN1 (glutamate ionotropic receptor NMDA type subunit 1; plus strand). Cytogenetic location: 9q34.3.
Variant type: Deletion.
Coding change: c.1467+19del on transcript NM_007327.4 (MANE Select); 19 bases into the intron after coding-DNA position 1467, one base deleted (G; older notation c.1467+19delG).
Molecular consequence: intron variant.
Genome position (GRCh38, 1-based): chr9:137,161,435, G deleted; the last of 5 consecutive G bases (chr9:137,161,431-137,161,435); deleting any one gives the same sequence. VCF-style (leftmost placement, unchanged base first): chr9-137161430-CG-C. GRCh37 (hg19) VCF-style: chr9-140055882-CG-C.
Other names: c.1530+19del (NM_001185090.2, NM_001185091.2); c.1467+19del (NM_021569.4, NM_000832.7); c.1467+19delG (NM_007327.3).
Identifiers: ClinVar variation 511433 (VCV000511433.1), dbSNP rs1301624435, ClinGen allele CA658797382.

ClinVar aggregate classification (germline): Likely benign (1 of 4 stars; one submission).

Submission:

GeneDx
Classification: Likely benign. Last evaluated: 2017-08-11. Review status: criteria provided, single submitter. Criteria: GeneDx Variant Classification (06012015). Collection method: clinical testing. Allele origin: germline. Affected: yes.
Comment: This variant is considered likely benign or benign based on one or more of the following criteria: it is a conservative change, it occurs at a poorly conserved position in the protein, it is predicted to be benign by multiple in silico algorithms, and/or has population frequency not consistent with disease.